The following is an entry in ClinVar:

NM_000069.3(CACNA1S):c.3442C>T (p.His1148Tyr)

Gene: CACNA1S (calcium voltage-gated channel subunit alpha1 S; minus strand). Cytogenetic location: 1q32.1.
Variant type: single nucleotide variant.
Coding change: c.3442C>T on transcript NM_000069.3 (MANE Select); coding-DNA position 3442, C replaced by T.
Protein change: p.His1148Tyr; replaces histidine 1148 with tyrosine.
Molecular consequence: missense variant.
Genome position (GRCh38, 1-based): chr1:201,059,272, G>A on the plus strand (C>T on the coding strand, the complement: CACNA1S is on the minus strand). VCF-style: chr1-201059272-G-A. GRCh37 (hg19) VCF-style: chr1-201028400-G-A.
Other names: short protein forms H1148Y.
Identifiers: ClinVar variation 473987 (VCV000473987.8), dbSNP rs1553249775, ClinGen allele CA344158769.

ClinVar aggregate classification (germline): Uncertain significance. Review status: criteria provided, multiple submitters, no conflicts (2 of 4 stars). 2 submissions from 2 submitters: Uncertain significance (2). Last evaluated 2024-04-05.

Conditions:
Malignant hyperthermia, susceptibility to, 5 (MHS5). Also called: CACNA1S-Related Malignant Hyperthermia Susceptibility. Identifiers: Orphanet 423, MedGen C1866077, MONDO:0011163, OMIM 601887.
Hypokalemic periodic paralysis, type 1. Also called: HypoPP; Hypokalemic Periodic Paralysis Type 1 (AD). Identifiers: Orphanet 681, MedGen C3714580, MONDO:0042979, OMIM 170400.

Submissions (2):

Labcorp Genetics (formerly Invitae), Labcorp
Classification: Uncertain significance for Hypokalemic periodic paralysis, type 1; Malignant hyperthermia, susceptibility to, 5. Last evaluated: 2024-04-05. Review status: criteria provided, single submitter. Criteria: Invitae Variant Classification Sherloc (09022015). Collection method: clinical testing. Allele origin: germline.
Comment: This sequence change replaces histidine, which is basic and polar, with tyrosine, which is neutral and polar, at codon 1148 of the CACNA1S protein (p.His1148Tyr). This variant is not present in population databases (gnomAD no frequency). This variant has not been reported in the literature in individuals affected with CACNA1S-related conditions. ClinVar contains an entry for this variant (Variation ID: 473987). Advanced modeling of protein sequence and biophysical properties (such as structural, functional, and spatial information, amino acid conservation, physicochemical variation, residue mobility, and thermodynamic stability) performed at Invitae indicates that this missense variant is not expected to disrupt CACNA1S protein function with a negative predictive value of 80%. In summary, the available evidence is currently insufficient to determine the role of this variant in disease. Therefore, it has been classified as a Variant of Uncertain Significance.

All of Us Research Program, National Institutes of Health
Classification: Uncertain significance for Malignant hyperthermia, susceptibility to, 5. Last evaluated: 2023-12-18. Review status: criteria provided, single submitter. Criteria: ACMG Guidelines, 2015. Collection method: clinical testing. Allele origin: germline. Inheritance: Autosomal dominant inheritance. Observed: 2 variant alleles, 2 heterozygotes.
Comment: This missense variant replaces histidine with tyrosine at codon 1148 of the CACNA1S protein. Computational prediction suggests that this variant may not impact protein structure and function (internally defined REVEL score threshold <= 0.5, PMID: 27666373). To our knowledge, functional studies have not been reported for this variant. This variant has not been reported in individuals affected with malignant hyperthermia in the literature. This variant has not been identified in the general population by the Genome Aggregation Database (gnomAD). The available evidence is insufficient to determine the role of this variant in disease conclusively. Therefore, this variant is classified as a Variant of Uncertain Significance.

This study involves interpretation of variants in research participants for the purpose of population health screening. Participant phenotype was not available at the time of variant classification. Additional details can be found in publication PMID: 35346344, PMCID: PMC8962531